The following is an entry in ClinVar:

ClinVar aggregate classification (germline): Uncertain significance (1 of 4 stars; one submission).

Submission:

GeneDx
Classification: Uncertain significance. Last evaluated: 2025-05-25. Review status: criteria provided, single submitter. Criteria: GeneDx Variant Classification Process June 2021. Collection method: clinical testing. Allele origin: germline. Affected: yes.
Comment: Not observed at significant frequency in large population cohorts (gnomAD); In silico analysis supports that this missense variant has a deleterious effect on protein structure/function; Has not been previously published as pathogenic or benign to our knowledge

NM_001379110.1(SLC9A6):c.1146C>G (p.Phe382Leu)

Gene: SLC9A6 (solute carrier family 9 member A6; plus strand). Cytogenetic location: Xq26.3.
Variant type: single nucleotide variant.
Coding change: c.1146C>G on transcript NM_001379110.1 (MANE Select); coding-DNA position 1146, C replaced by G.
Protein change: p.Phe382Leu; replaces phenylalanine 382 with leucine.
Molecular consequence: missense variant.
Genome position (GRCh38, 1-based): chrX:136,016,710, C>G. VCF-style: chrX-136016710-C-G. GRCh37 (hg19) VCF-style: chrX-135098869-C-G.
Other names: c.1302C>G, p.Phe434Leu (NM_001042537.2, NM_001438742.1); c.1146C>G, p.Phe382Leu (NM_001177651.2, NM_001400909.1, NM_001400910.1 and 2 more transcripts); c.1050C>G, p.Phe350Leu (NM_001330652.2, NM_001400913.1); c.1206C>G, p.Phe402Leu (NM_006359.3); short protein forms F350L, F382L, F402L, F434L.
Identifiers: ClinVar variation 4532482 (VCV004532482.1).